The following is an entry in ClinVar:

ClinVar aggregate classification (germline): Benign. Review status: criteria provided, multiple submitters, no conflicts (2 of 4 stars). 4 submissions from 4 submitters: Benign (4). Last evaluated 2021-09-10.

Conditions:
Joubert syndrome 14 (JBTS14). Identifiers: MedGen C3280766, MONDO:0013745, OMIM 614424.

Allele frequency attached by ClinVar (database versions not stated): gnomAD exomes 0.63975 and 0.61658; 1000 Genomes Project 0.58506; gnomAD 0.64988 and 0.64450; ESP Exome Variant Server 0.66860; 1000 Genomes Project 30x 0.59182; TOPMed 0.64576; ExAC 0.65658.
gnomAD v4.1: 996,221 of 1,556,314 alleles (64%); highest among the groups gnomAD compares: Middle Eastern, 67%; 321,285 homozygotes.

Submissions (5):

Genome-Nilou Lab
Classification: Benign for Joubert syndrome 14. Last evaluated: 2021-09-10. Review status: criteria provided, single submitter. Criteria: ACMG Guidelines, 2015. Collection method: clinical testing. Allele origin: germline. Affected: no.

GeneDx
Classification: Benign. Last evaluated: 2018-06-14. Review status: criteria provided, single submitter. Criteria: GeneDx Variant Classification (06012015). Collection method: clinical testing. Allele origin: germline. Affected: yes.
Comment: This variant is considered likely benign or benign based on one or more of the following criteria: it is a conservative change, it occurs at a poorly conserved position in the protein, it is predicted to be benign by multiple in silico algorithms, and/or has population frequency not consistent with disease.

Breakthrough Genomics
Classification: Benign. Review status: criteria provided, single submitter. Criteria: ACMG Guidelines, 2015. Collection method: not provided. Allele origin: germline. Inheritance: Autosomal recessive inheritance. Affected: yes.

PreventionGenetics, part of Exact Sciences
Classification: Benign. Review status: criteria provided, single submitter. Criteria: ACMG Guidelines, 2015. Collection method: clinical testing. Allele origin: germline.

Dr. Peter K. Rogan Lab, Western University
No classification provided (evidence only). Condition: Hepatocellular carcinoma. Review status: no classification provided. Collection method: in vitro. Allele origin: not applicable. Functional consequence: retained intron. Not counted in ClinVar's aggregate classification.

NM_001044385.3(TMEM237):c.274+23A>G

Gene: TMEM237 (transmembrane protein 237; minus strand). Cytogenetic location: 2q33.1.
Variant type: single nucleotide variant.
Coding change: c.274+23A>G on transcript NM_001044385.3 (MANE Select); 23 bases into the intron after coding-DNA position 274, A replaced by G.
Molecular consequence: intron variant.
Genome position (GRCh38, 1-based): chr2:201,636,725, T>C on the plus strand (A>G on the coding strand, the complement: TMEM237 is on the minus strand). VCF-style: chr2-201636725-T-C. GRCh37 (hg19) VCF-style: chr2-202501448-T-C.
Other names: c.250+23A>G (NM_152388.4).
Identifiers: ClinVar variation 257317 (VCV000257317.7), dbSNP rs1208081, ClinGen allele CA2056536.
Genomic context (GRCh38, chr2:201,636,725, plus strand): 5'-AAAGAAATGAAAGCAGAGAGGTTTTTATCATGTCATCAAAATCACAAGTGCTATCACAAC[T>C]TAACCTTGGTTTCTTCACATACCAAGAGGTAGCCTTGTCTTTTTCTGTCTTCTTTGAACA-3'